The following is an entry in ClinVar:

NM_001005242.3(PKP2):c.1674G>A (p.Lys558=)

Gene: PKP2 (plakophilin 2; minus strand). Cytogenetic location: 12p11.21.
Variant type: single nucleotide variant.
Coding change: c.1674G>A on transcript NM_001005242.3 (MANE Select); coding-DNA position 1674, G replaced by A.
Protein change: p.Lys558=; no amino-acid change (lysine 558 retained).
Molecular consequence: synonymous variant.
Genome position (GRCh38, 1-based): chr12:32,824,045, C>T on the plus strand (G>A on the coding strand, the complement: PKP2 is on the minus strand). VCF-style: chr12-32824045-C-T. GRCh37 (hg19) VCF-style: chr12-32976979-C-T.
Other names: c.1674G>A, p.Lys558= (NM_001407155.1, NM_001407156.1, NM_001407161.1); c.1806G>A, p.Lys602= (NM_001407157.1, NM_004572.4); c.1347G>A, p.Lys449= (NM_001407158.1, NM_001407159.1, NM_001407160.1 and 1 more transcripts).
Identifiers: ClinVar variation 3072047 (VCV003072047.1), dbSNP rs1956408431, ClinGen allele CA479176533.

ClinVar aggregate classification (germline): Uncertain significance (1 of 4 stars; one submission).

Conditions:
Arrhythmogenic right ventricular cardiomyopathy (ARVD). Also called: Arrhythmogenic right ventricular dysplasia; Cardiomyopathy, ARVC; Arrhythmogenic cardiomyopathy; Arrhythmogenic Right Ventricular Cardiomyopathy (ARVC). Identifiers: Orphanet 247, MedGen C0349788, MeSH D019571, MONDO:0016587. Disease mechanism: loss of function. Inheritance: Various modes of inheritance.

Submission:

All of Us Research Program, National Institutes of Health
Classification: Uncertain significance for Arrhythmogenic right ventricular cardiomyopathy. Last evaluated: 2023-06-26. Review status: criteria provided, single submitter. Criteria: ACMG Guidelines, 2015. Collection method: clinical testing. Allele origin: germline. Inheritance: Autosomal dominant inheritance. Observed: 1 variant allele, 1 heterozygote.
Comment: This variant is located in the PKP2 protein. To our knowledge, functional studies have not been reported for this variant. This variant has not been reported in individuals affected with PKP2-related disorders in the literature. This variant has not been identified in the general population by the Genome Aggregation Database (gnomAD). The available evidence is insufficient to determine the role of this variant in disease conclusively. Therefore, this variant is classified as a Variant of Uncertain Significance.

This study involves interpretation of variants in research participants for the purpose of population health screening. Participant phenotype was not available at the time of variant classification. Additional details can be found in publication PMID: 35346344, PMCID: PMC8962531